The following is an entry in ClinVar:

ClinVar aggregate classification (germline): Uncertain significance (1 of 4 stars; one submission).

Conditions:
Cystic fibrosis (CF). Also called: MUCOVISCIDOSIS. Identifiers: Orphanet 586, MedGen C0010674, MONDO:0009061, OMIM 219700. Disease mechanism: loss of function.

Allele frequency attached by ClinVar (database versions not stated): gnomAD exomes below 0.00001.
gnomAD v4.1: 3 of 1,612,650 alleles (0.00019%); highest among the groups gnomAD compares: Non-Finnish European, 0.00025%; no homozygotes.

Submission:

Ambry Genetics
Classification: Uncertain significance for Cystic fibrosis. Last evaluated: 2025-06-28. Review status: criteria provided, single submitter. Criteria: Ambry Variant Classification Scheme 2023. Collection method: clinical testing. Allele origin: germline.
Comment: The p.N1138S variant (also known as c.3413A>G), located in coding exon 21 of the CFTR gene, results from an A to G substitution at nucleotide position 3413. The asparagine at codon 1138 is replaced by serine, an amino acid with highly similar properties. This amino acid position is conserved. In addition, the in silico prediction for this alteration is inconclusive. Since supporting evidence is limited at this time, the clinical significance of this alteration remains unclear.

NM_000492.4(CFTR):c.3413A>G (p.Asn1138Ser)

Genes: CFTR (CF transmembrane conductance regulator; plus strand), CFTR-AS2 (CFTR antisense RNA 2; minus strand). Cytogenetic location: 7q31.2.
Variant type: single nucleotide variant.
Coding change: c.3413A>G on transcript NM_000492.4 (MANE Select); coding-DNA position 3413, A replaced by G.
Protein change: p.Asn1138Ser; replaces asparagine 1138 with serine.
Molecular consequence: missense variant.
Genome position (GRCh38, 1-based): chr7:117,614,658, A>G. VCF-style: chr7-117614658-A-G. GRCh37 (hg19) VCF-style: chr7-117254712-A-G.
Other names: short protein forms N1138S.
Identifiers: ClinVar variation 2447427 (VCV002447427.3), dbSNP rs2485133962, ClinGen allele CA368993480.